The following is an entry in ClinVar:

ClinVar aggregate classification (germline): Uncertain significance (1 of 4 stars; one submission).

Conditions:
Hereditary cancer-predisposing syndrome. Also called: Neoplastic Syndromes, Hereditary; Tumor predisposition; Hereditary neoplastic syndrome; Hereditary Cancer Syndrome. Identifiers: Orphanet 140162, MedGen C0027672, MeSH D009386, MONDO:0015356.

gnomAD v4.1: 1 of 1,611,892 alleles (0.000062%); highest among the groups gnomAD compares: Admixed American, 0.0017%; no homozygotes.

Submission:

Ambry Genetics
Classification: Uncertain significance for Hereditary cancer-predisposing syndrome. Last evaluated: 2024-02-16. Review status: criteria provided, single submitter. Criteria: Ambry Variant Classification Scheme 2023. Collection method: clinical testing. Allele origin: germline.
Comment: The p.N270I variant (also known as c.809A>T), located in coding exon 7 of the APC gene, results from an A to T substitution at nucleotide position 809. The asparagine at codon 270 is replaced by isoleucine, an amino acid with dissimilar properties. This amino acid position is conserved. In addition, in silico predictors for this gene do not accurately predict pathogenicity. Based on the available evidence, the clinical significance of this alteration remains unclear.

NM_000038.6(APC):c.809A>T (p.Asn270Ile)

Gene: APC (APC regulator of Wnt signaling pathway; plus strand). Cytogenetic location: 5q22.2.
Variant type: single nucleotide variant.
Coding change: c.809A>T on transcript NM_000038.6 (MANE Select); coding-DNA position 809, A replaced by T.
Protein change: p.Asn270Ile; replaces asparagine 270 with isoleucine.
Molecular consequence: missense variant. On other transcripts: 5 prime UTR variant (4), non-coding transcript variant (2).
Genome position (GRCh38, 1-based): chr5:112,801,358, A>T. VCF-style: chr5-112801358-A-T. GRCh37 (hg19) VCF-style: chr5-112137055-A-T.
Other names: c.632A>T, p.Asn211Ile (NM_001354901.2, NM_001354905.2, NM_001354900.2 and 1 more transcripts); c.809A>T, p.Asn270Ile (NM_001354903.2, NM_001127510.3, NM_001354895.2 and 12 more transcripts); c.-227A>T (NM_001354906.2, NM_001407470.1, NM_001407471.1 and 1 more transcripts); c.734A>T, p.Asn245Ile (NM_001354904.2, NM_001354898.2, NM_001407451.1); c.839A>T, p.Asn280Ile (NM_001354902.2, NM_001354897.2, NM_001407446.1); c.755A>T, p.Asn252Ile (NM_001127511.3); c.725A>T, p.Asn242Ile (NM_001354899.2, NM_001407452.1, NM_001407467.1 and 1 more transcripts); short protein forms N211I, N242I, N245I, N252I, N270I, N280I.
Identifiers: ClinVar variation 3231729 (VCV003231729.1), dbSNP rs758069998, ClinGen allele CA16023099.